The following is an entry in ClinVar:

NM_000492.4(CFTR):c.4035_4038dup (p.Ser1347fs)

Gene: CFTR (CF transmembrane conductance regulator; plus strand). Cytogenetic location: 7q31.2.
Variant type: Duplication.
Coding change: c.4035_4038dup on transcript NM_000492.4 (MANE Select); coding-DNA positions 4035 to 4038, 4 bases duplicated (CCTA; older notation c.4035_4038dupCCTA).
Protein change: p.Ser1347fs; shifts the reading frame from serine 1347.
Molecular consequence: frameshift variant.
Genome position (GRCh38, 1-based): chr7:117,664,759-117,664,762, CCTA duplicated. VCF-style (leftmost placement, unchanged base first): chr7-117664758-T-TCCTA. GRCh37 (hg19) VCF-style: chr7-117304812-T-TCCTA.
Other names: c.4035_4038dupCCTA (NM_000492.3); short protein forms S1347fs.
Identifiers: ClinVar variation 550233 (VCV000550233.5), dbSNP rs1554397497, ClinGen allele CA658821704.
Genomic context (GRCh38, chr7:117,664,758, plus strand): 5'-GATCTGTGATAGAACAGTTTCCTGGGAAGCTTGACTTTGTCCTTGTGGATGGGGGCTGTG[T>TCCTA]CCTAAGCCATGGCCACAAGCAGTTGATGTGCTTGGCTAGATCTGTTCTCAGTAAGGCGAA-3'

ClinVar aggregate classification (germline): Pathogenic. Review status: criteria provided, single submitter (1 of 4 stars). 2 submissions from 2 submitters: Pathogenic (1). 1 of the submissions does not count toward it. Last evaluated 2023-03-18.

Conditions:
Cystic fibrosis (CF). Also called: MUCOVISCIDOSIS. Identifiers: Orphanet 586, MedGen C0010674, MONDO:0009061, OMIM 219700. Disease mechanism: loss of function.

Submissions (2):

Labcorp Genetics (formerly Invitae), Labcorp
Classification: Pathogenic for Cystic fibrosis. Last evaluated: 2023-03-18. Review status: criteria provided, single submitter. Criteria: Invitae Variant Classification Sherloc (09022015). Collection method: clinical testing. Allele origin: germline.
Comment: This sequence change creates a premature translational stop signal (p.Ser1347Profs*13) in the CFTR gene. It is expected to result in an absent or disrupted protein product. Loss-of-function variants in CFTR are known to be pathogenic (PMID: 1695717, 7691345, 9725922). For these reasons, this variant has been classified as Pathogenic. ClinVar contains an entry for this variant (Variation ID: 550233). This premature translational stop signal has been observed in individual(s) with cystic fibrosis (PMID: 24586523, 32103733, 32442342). This variant is not present in population databases (gnomAD no frequency).

Counsyl
Classification: Likely pathogenic for Cystic fibrosis. Last evaluated: 2017-01-04. Review status: no assertion criteria provided. Collection method: clinical testing. Allele origin: unknown. Not counted in ClinVar's aggregate classification.

Literature cited by the submitters: PubMed 1695717 (cited by Labcorp Genetics (formerly Invitae), Labcorp); PubMed 7691345 (cited by Labcorp Genetics (formerly Invitae), Labcorp); PubMed 9725922 (cited by Labcorp Genetics (formerly Invitae), Labcorp); PubMed 24586523 (cited by Labcorp Genetics (formerly Invitae), Labcorp and Counsyl); PubMed 32103733 (cited by Labcorp Genetics (formerly Invitae), Labcorp); PubMed 32442342 (cited by Labcorp Genetics (formerly Invitae), Labcorp).